The following is an entry in ClinVar:

ClinVar aggregate classification (germline): Pathogenic/Likely pathogenic. Review status: criteria provided, multiple submitters, no conflicts (2 of 4 stars). 10 submissions from 10 submitters: Pathogenic (6); Likely pathogenic (2). 2 of the submissions do not count toward it. Last evaluated 2025-09-10.

Conditions:
ALOX12B-related disorder. Also called: ALOX12B-related condition.
Lamellar ichthyosis. Identifiers: Orphanet 313, MedGen C5848247, MONDO:0017778.
Autosomal recessive congenital ichthyosis 2 (ARCI2). Identifiers: Orphanet 281122, Orphanet 79394, MedGen C3888093, MONDO:0009439, OMIM 242100.
Congenital nonbullous ichthyosiform erythroderma. Also called: Congenital non-bullous ichthyosiform erythroderma. Identifiers: Orphanet 79394, MedGen C0079154, MONDO:0019306, HP:0007479.
Congenital ichthyosiform erythroderma. Identifiers: MedGen C0079583, HP:0007431.

Allele frequency attached by ClinVar (database versions not stated): ExAC 0.00001; gnomAD exomes 0.00002 and 0.00003; TOPMed 0.00002; gnomAD 0.00003.

Submissions (10):

Genomic Medicine Center of Excellence, King Faisal Specialist Hospital and Research Centre
Classification: Likely pathogenic for Autosomal recessive congenital ichthyosis 2. Last evaluated: 2025-09-10. Review status: criteria provided, single submitter. Criteria: ACMG Guidelines, 2015. Collection method: clinical testing. Allele origin: germline.

Labcorp Genetics (formerly Invitae), Labcorp
Classification: Pathogenic. Last evaluated: 2024-11-19. Review status: criteria provided, single submitter. Criteria: Invitae Variant Classification Sherloc (09022015). Collection method: clinical testing. Allele origin: germline.
Comment: This sequence change replaces arginine, which is basic and polar, with tryptophan, which is neutral and slightly polar, at codon 548 of the ALOX12B protein (p.Arg548Trp). This variant is present in population databases (rs397514532, gnomAD 0.006%). This missense change has been observed in individuals with congenital ichthyosis (PMID: 23621129, 31953843, 34379964). ClinVar contains an entry for this variant (Variation ID: 39545). Invitae Evidence Modeling of protein sequence and biophysical properties (such as structural, functional, and spatial information, amino acid conservation, physicochemical variation, residue mobility, and thermodynamic stability) has been performed for this missense variant. However, the output from this modeling did not meet the statistical confidence thresholds required to predict the impact of this variant on ALOX12B protein function. Algorithms developed to predict the effect of sequence changes on RNA splicing suggest that this variant may disrupt the consensus splice site. For these reasons, this variant has been classified as Pathogenic.

CeGaT Center for Human Genetics Tuebingen
Classification: Pathogenic. Last evaluated: 2024-06-01. Review status: criteria provided, single submitter. Criteria: CeGaT Center For Human Genetics Tuebingen Variant Classification Criteria Version 2. Collection method: clinical testing. Allele origin: germline. Affected: yes. Observed: 2 variant alleles.
Comment: ALOX12B: PM3:Very Strong, PM2, PP4

Blueprint Genetics
Classification: Pathogenic for ALOX12B-related disorders. Last evaluated: 2024-05-23. Review status: criteria provided, single submitter. Criteria: ACMG Guidelines, 2015. Collection method: clinical testing. Allele origin: germline. Affected: yes. Observed: 5 variant alleles.

GeneDx
Classification: Pathogenic. Last evaluated: 2023-11-20. Review status: criteria provided, single submitter. Criteria: GeneDx Variant Classification Process June 2021. Collection method: clinical testing. Allele origin: germline. Affected: yes.
Comment: Not observed at significant frequency in large population cohorts (gnomAD); In silico analysis supports that this missense variant has a deleterious effect on protein structure/function; This variant is associated with the following publications: (PMID: 28236338, 18347291, 23621129, 31589614, 33435499, 34379964, 31953843)

Women's Health and Genetics/Laboratory Corporation of America, LabCorp
Classification: Pathogenic for Lamellar ichthyosis. Last evaluated: 2022-12-09. Review status: criteria provided, single submitter. Criteria: LabCorp Variant Classification Summary - May 2015. Collection method: clinical testing. Allele origin: germline.
Comment: Variant summary: ALOX12B c.1642C>T (p.Arg548Trp) results in a non-conservative amino acid change located in the Lipoxygenase, C-terminal domain (IPR013819) of the encoded protein sequence. Three of five in-silico tools predict a damaging effect of the variant on protein function. The variant allele was found at a frequency of 2e-05 in 251442 control chromosomes. c.1642C>T has been reported in the literature as a biallelic homozygous and compound heterozygous genotype in multiple individuals affected with features of Autosomal Recessive Lamellar Ichthyosis (example, Harting_2008, Israeli_2013, Cheng_2020, Srinivas_2021). These data indicate that the variant is very likely to be associated with disease. To our knowledge, no experimental evidence demonstrating an impact on protein function has been reported. Six clinical diagnostic laboratories have submitted clinical-significance assessments for this variant to ClinVar after 2014 without evidence for independent evaluation. Based on the evidence outlined above, the variant was classified as pathogenic.

Centre for Mendelian Genomics, University Medical Centre Ljubljana
Classification: Pathogenic for Congenital ichthyosiform erythroderma; Congenital nonbullous ichthyosiform erythroderma. Last evaluated: 2017-01-01. Review status: criteria provided, single submitter. Criteria: ACMG Guidelines, 2015. Collection method: clinical testing. Allele origin: unknown. Affected: yes.

Baylor Genetics
Classification: Likely pathogenic for Autosomal recessive congenital ichthyosis 2. Review status: criteria provided, single submitter. Criteria: ACMG Guidelines, 2015. Collection method: clinical testing. Allele origin: unknown.

Institute for Human Genetics, University Medical Center Freiburg
Classification: Pathogenic for Autosomal recessive congenital ichthyosis 2. Last evaluated: 2021-01-07. Review status: no assertion criteria provided. Collection method: clinical testing. Allele origin: unknown. Affected: yes. Not counted in ClinVar's aggregate classification.

OMIM
Classification: Pathogenic for ICHTHYOSIS, CONGENITAL, AUTOSOMAL RECESSIVE 2. Last evaluated: 2008-03-01. Review status: no assertion criteria provided. Collection method: literature only. Allele origin: germline. Not counted in ClinVar's aggregate classification.

Literature cited by the submitters: PubMed 23621129 (cited by Labcorp Genetics (formerly Invitae), Labcorp and Women's Health and Genetics/Laboratory Corporation of America, LabCorp); PubMed 31953843 (cited by Labcorp Genetics (formerly Invitae), Labcorp and Women's Health and Genetics/Laboratory Corporation of America, LabCorp); PubMed 34379964 (cited by Labcorp Genetics (formerly Invitae), Labcorp and Women's Health and Genetics/Laboratory Corporation of America, LabCorp); PubMed 18347291 (cited by 3 submitters).

NM_001139.3(ALOX12B):c.1642C>T (p.Arg548Trp)

Gene: ALOX12B (arachidonate 12-lipoxygenase, 12R type; minus strand). Cytogenetic location: 17p13.1.
Variant type: single nucleotide variant.
Coding change: c.1642C>T on transcript NM_001139.3 (MANE Select); coding-DNA position 1642, C replaced by T.
Protein change: p.Arg548Trp; replaces arginine 548 with tryptophan.
Molecular consequence: missense variant.
Genome position (GRCh38, 1-based): chr17:8,075,607, G>A on the plus strand (C>T on the coding strand, the complement: ALOX12B is on the minus strand). VCF-style: chr17-8075607-G-A. GRCh37 (hg19) VCF-style: chr17-7978925-G-A.
Other names: c.1642C>T, p.Arg548Trp (LRG_1264t1); short protein forms R548W.
Identifiers: ClinVar variation 39545 (VCV000039545.58), dbSNP rs397514532, ClinGen allele CA261171.
Genomic context (GRCh38, chr17:8,075,607, plus strand): 5'-CCCCTCAGTCCCAGCTCCCCCTGATTGCCCAGGTGTCCAGGCCCATACCTGAGCTCTCCC[G>A]CCCCAGGAGGCACTCTTTAAATATTTCCTGCACCCAAGACTGCAATTCCGGATCACCCTC-3'
Protein context (NP_001130.1, residues 538-558): QEIFKECLLG[Arg548Trp]ESSGFPRCLR